The following is an entry in ClinVar:

NM_006231.4(POLE):c.63-7C>G

Gene: POLE (DNA polymerase epsilon, catalytic subunit; minus strand). Cytogenetic location: 12q24.33.
Variant type: single nucleotide variant.
Coding change: c.63-7C>G on transcript NM_006231.4 (MANE Select); 7 bases into the intron before coding-DNA position 63, C replaced by G.
Molecular consequence: intron variant.
Genome position (GRCh38, 1-based): chr12:132,681,286, G>C on the plus strand (C>G on the coding strand, the complement: POLE is on the minus strand). VCF-style: chr12-132681286-G-C. GRCh37 (hg19) VCF-style: chr12-133257872-G-C.
Identifiers: ClinVar variation 4739535 (VCV004739535.1).

ClinVar aggregate classification (germline): Uncertain significance (1 of 4 stars; one submission).

Submission:

Labcorp Genetics (formerly Invitae), Labcorp
Classification: Uncertain significance. Last evaluated: 2025-11-04. Review status: criteria provided, single submitter. Criteria: Invitae Variant Classification Sherloc (09022015). Collection method: clinical testing. Allele origin: germline.
Comment: This sequence change falls in intron 1 of the POLE gene. It does not directly change the encoded amino acid sequence of the POLE protein. This variant is not present in population databases (gnomAD no frequency). This variant has not been reported in the literature in individuals affected with POLE-related conditions. Algorithms developed to predict the effect of sequence changes on RNA splicing suggest that this variant may disrupt the consensus splice site. In summary, the available evidence is currently insufficient to determine the role of this variant in disease. Therefore, it has been classified as a Variant of Uncertain Significance.